The following is an entry in ClinVar:

NM_182961.4(SYNE1):c.12470A>G (p.Lys4157Arg)

Gene: SYNE1 (spectrin repeat containing nuclear envelope protein 1; minus strand). Cytogenetic location: 6q25.2.
Variant type: single nucleotide variant.
Coding change: c.12470A>G on transcript NM_182961.4 (MANE Select); coding-DNA position 12470, A replaced by G.
Protein change: p.Lys4157Arg; replaces lysine 4157 with arginine.
Molecular consequence: missense variant.
Genome position (GRCh38, 1-based): chr6:152,336,899, T>C on the plus strand (A>G on the coding strand, the complement: SYNE1 is on the minus strand). VCF-style: chr6-152336899-T-C. GRCh37 (hg19) VCF-style: chr6-152658034-T-C.
Other names: c.12257A>G, p.Lys4086Arg (NM_033071.5); short protein forms K4157R, K4086R.
Identifiers: ClinVar variation 2120987 (VCV002120987.1), dbSNP rs2485945561, ClinGen allele CA366108403.

ClinVar aggregate classification (germline): Uncertain significance (1 of 4 stars; one submission).

Conditions:
Emery-Dreifuss muscular dystrophy 4, autosomal dominant (EDMD4). Also called: EMERY-DREIFUSS MUSCULAR DYSTROPHY 4 WITH VARIABLE FEATURES. Identifiers: Orphanet 261, MedGen C2751807, MONDO:0013071, OMIM 612998.
Autosomal recessive ataxia, Beauce type. Also called: SYNE1 Deficiency; Spinocerebellar ataxia, autosomal recessive 8; ATAXIA, RECESSIVE, OF BEAUCE; SYNE1-Related Autosomal Recessive Cerebellar Ataxia. Identifiers: Orphanet 88644, MedGen C1853116, MONDO:0012549, OMIM 610743.

Submission:

Labcorp Genetics (formerly Invitae), Labcorp
Classification: Uncertain significance for Emery-Dreifuss muscular dystrophy 4, autosomal dominant; Autosomal recessive ataxia, Beauce type. Last evaluated: 2022-04-03. Review status: criteria provided, single submitter. Criteria: Invitae Variant Classification Sherloc (09022015). Collection method: clinical testing. Allele origin: germline.
Comment: This sequence change replaces lysine, which is basic and polar, with arginine, which is basic and polar, at codon 4086 of the SYNE1 protein (p.Lys4086Arg). This variant is not present in population databases (gnomAD no frequency). This variant has not been reported in the literature in individuals affected with SYNE1-related conditions. Algorithms developed to predict the effect of missense changes on protein structure and function output the following: SIFT: "Deleterious"; PolyPhen-2: "Possibly Damaging"; Align-GVGD: "Class C25". The arginine amino acid residue is found in multiple mammalian species, which suggests that this missense change does not adversely affect protein function. In summary, the available evidence is currently insufficient to determine the role of this variant in disease. Therefore, it has been classified as a Variant of Uncertain Significance.